The following is an entry in ClinVar:

ClinVar aggregate classification (germline): Uncertain significance. Review status: criteria provided, multiple submitters, no conflicts (2 of 4 stars). 4 submissions from 4 submitters: Uncertain significance (4). Last evaluated 2026-07-18.

Conditions:
MYPN-related disorder. Also called: MYPN-related condition.
Cardiovascular phenotype. Identifiers: MedGen CN230736.
Dilated cardiomyopathy 1KK (CMD1KK). Identifiers: Orphanet 154, Orphanet 75249, MedGen C3714995, MONDO:0014100, OMIM 615248.

Allele frequency attached by ClinVar (database versions not stated): gnomAD 0.00004 and 0.00005; TOPMed 0.00007; gnomAD exomes 0.00008 and 0.00013; ExAC 0.00010; ESP Exome Variant Server 0.00023.
gnomAD v4.1: 193 of 1,611,534 alleles (0.012%); highest among the groups gnomAD compares: Non-Finnish European, 0.016%; no homozygotes.

Submissions (4):

PreventionGenetics, part of Exact Sciences
Classification: Uncertain significance for MYPN-related condition. Last evaluated: 2026-07-18. Review status: criteria provided, single submitter. Criteria: ACMG Guidelines, 2015. Collection method: clinical testing. Allele origin: germline.
Comment: The MYPN c.782A>G variant is predicted to result in the amino acid substitution p.Tyr261Cys. To our knowledge, this variant has not been reported in the literature. This variant is reported in 0.016% of alleles in individuals of African descent in gnomAD. At this time, the clinical significance of this variant is uncertain due to the absence of conclusive functional and genetic evidence.

Ambry Genetics
Classification: Uncertain significance for Cardiovascular phenotype. Last evaluated: 2025-11-15. Review status: criteria provided, single submitter. Criteria: Ambry Variant Classification Scheme 2023. Collection method: clinical testing. Allele origin: germline.
Comment: The p.Y261C variant (also known as c.782A>G), located in coding exon 1 of the MYPN gene, results from an A to G substitution at nucleotide position 782. The tyrosine at codon 261 is replaced by cysteine, an amino acid with highly dissimilar properties. This amino acid position is not well conserved in available vertebrate species. In addition, this alteration is predicted to be tolerated by in silico analysis. Since supporting evidence is limited at this time, the clinical significance of this alteration remains unclear.

Labcorp Genetics (formerly Invitae), Labcorp
Classification: Uncertain significance for Dilated cardiomyopathy 1KK. Last evaluated: 2022-10-24. Review status: criteria provided, single submitter. Criteria: Invitae Variant Classification Sherloc (09022015). Collection method: clinical testing. Allele origin: germline.
Comment: This sequence change replaces tyrosine, which is neutral and polar, with cysteine, which is neutral and slightly polar, at codon 261 of the MYPN protein (p.Tyr261Cys). This variant is present in population databases (rs148034353, gnomAD 0.02%). This variant has not been reported in the literature in individuals affected with MYPN-related conditions. ClinVar contains an entry for this variant (Variation ID: 201880). Algorithms developed to predict the effect of missense changes on protein structure and function are either unavailable or do not agree on the potential impact of this missense change (SIFT: "Tolerated"; PolyPhen-2: "Possibly Damaging"; Align-GVGD: "Class C0"). In summary, the available evidence is currently insufficient to determine the role of this variant in disease. Therefore, it has been classified as a Variant of Uncertain Significance.

GeneDx
Classification: Uncertain significance. Last evaluated: 2021-03-17. Review status: criteria provided, single submitter. Criteria: GeneDx Variant Classification Process June 2021. Collection method: clinical testing. Allele origin: germline. Affected: yes.
Comment: Has not been previously published as pathogenic or benign to our knowledge; Reported in ClinVar as a variant of uncertain significance (ClinVar Variant ID# 201880; Landrum et al., 2016); In silico analysis supports that this missense variant does not alter protein structure/function

NM_032578.4(MYPN):c.782A>G (p.Tyr261Cys)

Gene: MYPN (myopalladin; plus strand). Cytogenetic location: 10q21.3.
Variant type: single nucleotide variant.
Coding change: c.782A>G on transcript NM_032578.4 (MANE Select); coding-DNA position 782, A replaced by G.
Protein change: p.Tyr261Cys; replaces tyrosine 261 with cysteine.
Molecular consequence: missense variant. On other transcripts: 5 prime UTR variant (1), non-coding transcript variant (1).
Genome position (GRCh38, 1-based): chr10:68,122,220, A>G. VCF-style: chr10-68122220-A-G. GRCh37 (hg19) VCF-style: chr10-69881977-A-G.
Other names: p.Y261C:TAT>TGT; c.782A>G, p.Tyr261Cys (NM_001256267.2); c.-341A>G (NM_001256268.2); short protein forms Y261C.
Identifiers: ClinVar variation 201880 (VCV000201880.13), dbSNP rs148034353, ClinGen allele CA335289.
Genomic context (GRCh38, chr10:68,122,220, plus strand): 5'-CTGCCAGTGAGGCGGCTGGTGGAGACACTACACCAGGGTCTTCCCCTTCATCTCTGTACT[A>G]TGAAGAACCTCTGGGGCAACCTCCCCGGTTCACTCAAAAGTTACGGAGCAGAGAAGTTCC-3'
Protein context (NP_115967.2, residues 251-271): TPGSSPSSLY[Tyr261Cys]EEPLGQPPRF